The following is an entry in ClinVar:

ClinVar aggregate classification (germline): Uncertain significance (1 of 4 stars; one submission).

Allele frequency attached by ClinVar (database versions not stated): gnomAD exomes below 0.00001 and 0.00001; gnomAD 0.00001; ExAC 0.00002; 1000 Genomes Project 30x 0.00016; 1000 Genomes Project 0.00020.
gnomAD v4.1: 2 of 1,599,774 alleles (0.00013%); highest among the groups gnomAD compares: East Asian, 0.0023%; no homozygotes.

Submission:

Labcorp Genetics (formerly Invitae), Labcorp
Classification: Uncertain significance. Last evaluated: 2022-07-12. Review status: criteria provided, single submitter. Criteria: Invitae Variant Classification Sherloc (09022015). Collection method: clinical testing. Allele origin: germline.
Comment: The frequency data for this variant in the population databases is considered unreliable, as metrics indicate poor data quality at this position in the gnomAD database. This variant has not been reported in the literature in individuals affected with PDE6B-related conditions. ClinVar contains an entry for this variant (Variation ID: 1042042). Algorithms developed to predict the effect of missense changes on protein structure and function are either unavailable or do not agree on the potential impact of this missense change (SIFT: "Deleterious"; PolyPhen-2: "Probably Damaging"; Align-GVGD: "Class C0"). In summary, the available evidence is currently insufficient to determine the role of this variant in disease. Therefore, it has been classified as a Variant of Uncertain Significance. This sequence change replaces glutamine, which is neutral and polar, with arginine, which is basic and polar, at codon 99 of the PDE6B protein (p.Gln99Arg).

NM_000283.4(PDE6B):c.296A>G (p.Gln99Arg)

Gene: PDE6B (phosphodiesterase 6B; plus strand). Cytogenetic location: 4p16.3.
Variant type: single nucleotide variant.
Coding change: c.296A>G on transcript NM_000283.4 (MANE Select); coding-DNA position 296, A replaced by G.
Protein change: p.Gln99Arg; replaces glutamine 99 with arginine.
Molecular consequence: missense variant.
Genome position (GRCh38, 1-based): chr4:625,922, A>G. VCF-style: chr4-625922-A-G. GRCh37 (hg19) VCF-style: chr4-619711-A-G.
Other names: c.296A>G, p.Gln99Arg (NM_001145291.2); short protein forms Q99R.
Identifiers: ClinVar variation 1042042 (VCV001042042.9), dbSNP rs576548604, ClinGen allele CA2793901.
Genomic context (GRCh38, chr4:625,922, plus strand): 5'-TCCTGCGGCGCCTCTGCACCCTCCTGCAGGCCGACCGCTGCAGCCTCTTCATGTACCGCC[A>G]GCGCAACGGCGTGGCCGAGCTGGCCACCAGGCTTTTCAGCGTGCAGCCGGACAGCGTCCT-3'
Protein context (NP_000274.3, residues 89-109): ADRCSLFMYR[Gln99Arg]RNGVAELATR